The following is an entry in ClinVar:

NM_001130987.2(DYSF):c.5684T>A (p.Val1895Glu)

Gene: DYSF (dysferlin; plus strand). Cytogenetic location: 2p13.2.
Variant type: single nucleotide variant.
Coding change: c.5684T>A on transcript NM_001130987.2 (MANE Select); coding-DNA position 5684, T replaced by A.
Protein change: p.Val1895Glu; replaces valine 1895 with glutamic acid.
Molecular consequence: missense variant.
Genome position (GRCh38, 1-based): chr2:71,669,646, T>A. VCF-style: chr2-71669646-T-A. GRCh37 (hg19) VCF-style: chr2-71896776-T-A.
Other names: c.5570T>A, p.Val1857Glu (NM_001130455.2); c.5525T>A, p.Val1842Glu (NM_001130976.2); c.5588T>A, p.Val1863Glu (NM_001130977.2); c.5567T>A, p.Val1856Glu (NM_003494.4); c.5630T>A, p.Val1877Glu (NM_001130978.2); c.5660T>A, p.Val1887Glu (NM_001130979.2); c.5618T>A, p.Val1873Glu (NM_001130980.2); c.5681T>A, p.Val1894Glu (NM_001130981.2); and 5 more; short protein forms V1842E, V1878E, V1887E, V1856E, V1863E, V1873E, V1888E, V1895E.
Identifiers: ClinVar variation 2912864 (VCV002912864.3), dbSNP rs1306107119, ClinGen allele CA347223597.
Genomic context (GRCh38, chr2:71,669,646, plus strand): 5'-TAAAAACATGTATGTCTAGTTGGATGATTGGCTTTGAAGAACACAAGCAAAAGACAGACG[T>A]GCATTATCGTTCCCTGGGAGGTGAAGGCAACTTCAACTGGAGGTTCATTTTCCCCTTCGA-3'
Protein context (NP_001124459.1, residues 1885-1905): GFEEHKQKTD[Val1895Glu]HYRSLGGEGN

ClinVar aggregate classification (germline): Likely pathogenic (1 of 4 stars; one submission).

Conditions:
Neuromuscular disease caused by qualitative or quantitative defects of dysferlin. Also called: Qualitative or quantitative defects of dysferlin; Dysferlinopathy. Identifiers: Orphanet 207073, MedGen C2931687, MONDO:0016145.

Allele frequency attached by ClinVar (database versions not stated): gnomAD exomes below 0.00001.

Submission:

Labcorp Genetics (formerly Invitae), Labcorp
Classification: Likely pathogenic for Neuromuscular disease caused by qualitative or quantitative defects of dysferlin. Last evaluated: 2024-05-20. Review status: criteria provided, single submitter. Criteria: Invitae Variant Classification Sherloc (09022015). Collection method: clinical testing. Allele origin: germline.
Comment: This sequence change replaces valine, which is neutral and non-polar, with glutamic acid, which is acidic and polar, at codon 1856 of the DYSF protein (p.Val1856Glu). This variant is not present in population databases (gnomAD no frequency). This missense change has been observed in individual(s) with limb-girdle muscular dystrophy (PMID: 30098242). In at least one individual the data is consistent with being in trans (on the opposite chromosome) from a pathogenic variant. Advanced modeling of protein sequence and biophysical properties (such as structural, functional, and spatial information, amino acid conservation, physicochemical variation, residue mobility, and thermodynamic stability) performed at Invitae indicates that this missense variant is expected to disrupt DYSF protein function with a positive predictive value of 80%. In summary, the currently available evidence indicates that the variant is pathogenic, but additional data are needed to prove that conclusively. Therefore, this variant has been classified as Likely Pathogenic.

Literature cited by the submitters: PubMed 30098242.